The following is an entry in ClinVar:

NM_000051.4(ATM):c.1531A>G (p.Ile511Val)

Gene: ATM (ATM serine/threonine kinase; plus strand). Cytogenetic location: 11q22.3.
Variant type: single nucleotide variant.
Coding change: c.1531A>G on transcript NM_000051.4 (MANE Select); coding-DNA position 1531, A replaced by G.
Protein change: p.Ile511Val; replaces isoleucine 511 with valine.
Molecular consequence: missense variant.
Genome position (GRCh38, 1-based): chr11:108,250,996, A>G. VCF-style: chr11-108250996-A-G. GRCh37 (hg19) VCF-style: chr11-108121723-A-G.
Other names: c.1531A>G, p.Ile511Val (NM_001351834.2); short protein forms I511V.
Identifiers: ClinVar variation 664559 (VCV000664559.12), dbSNP rs1591524572, ClinGen allele CA382534297.

ClinVar aggregate classification (germline): Uncertain significance. Review status: criteria provided, multiple submitters, no conflicts (2 of 4 stars). 3 submissions from 3 submitters: Uncertain significance (2). 1 of the submissions does not count toward it. Last evaluated 2024-06-19.

Conditions:
Ataxia-telangiectasia syndrome (AT). Also called: Ataxia-telangiectasia, complementation group D; AT, COMPLEMENTATION GROUP C; Ataxia telangiectasia (A-T); Cerebello-oculocutaneous telangiectasia; Immunodeficiency with ataxia telangiectasia; ATAXIA-TELANGIECTASIA, COMPLEMENTATION GROUP A. Identifiers: Orphanet 100, MedGen C0004135, MONDO:0008840, OMIM 208900.
Hereditary cancer-predisposing syndrome. Also called: Neoplastic Syndromes, Hereditary; Hereditary neoplastic syndrome; Tumor predisposition; Hereditary Cancer Syndrome. Identifiers: Orphanet 140162, MedGen C0027672, MeSH D009386, MONDO:0015356.

Submissions (3):

Labcorp Genetics (formerly Invitae), Labcorp
Classification: Uncertain significance for Ataxia-telangiectasia syndrome. Last evaluated: 2024-06-19. Review status: criteria provided, single submitter. Criteria: Invitae Variant Classification Sherloc (09022015). Collection method: clinical testing. Allele origin: germline.
Comment: This sequence change replaces isoleucine, which is neutral and non-polar, with valine, which is neutral and non-polar, at codon 511 of the ATM protein (p.Ile511Val). This variant is not present in population databases (gnomAD no frequency). This variant has not been reported in the literature in individuals affected with ATM-related conditions. ClinVar contains an entry for this variant (Variation ID: 664559). An algorithm developed to predict the effect of missense changes on protein structure and function (PolyPhen-2) suggests that this variant is likely to be tolerated. In summary, the available evidence is currently insufficient to determine the role of this variant in disease. Therefore, it has been classified as a Variant of Uncertain Significance.

Ambry Genetics
Classification: Uncertain significance for Hereditary cancer-predisposing syndrome. Last evaluated: 2021-10-27. Review status: criteria provided, single submitter. Criteria: Ambry Variant Classification Scheme 2023. Collection method: clinical testing. Allele origin: germline.
Comment: The p.I511V variant (also known as c.1531A>G), located in coding exon 9 of the ATM gene, results from an A to G substitution at nucleotide position 1531. The isoleucine at codon 511 is replaced by valine, an amino acid with highly similar properties. This alteration was identified in an unaffected individual who underwent multigene panel testing for hereditary cancer (Lerner-Ellis J et al. J Cancer Res Clin Oncol 2021 Mar;147(3):871-879). This amino acid position is well conserved in available vertebrate species. In addition, this alteration is predicted to be tolerated by in silico analysis. Since supporting evidence is limited at this time, the clinical significance of this alteration remains unclear.

Department of Pathology and Laboratory Medicine, Sinai Health System
Classification: Uncertain significance. Review status: no assertion criteria provided. Collection method: clinical testing. Allele origin: unknown. Affected: yes. Observed: 1 variant allele. Study: The Canadian Open Genetics Repository (COGR). Not counted in ClinVar's aggregate classification.
Comment: The ATM p.Ile511Val variant was not identified in the literature nor was it identified in the dbSNP, ClinVar, COGR, Cosmic, MutDB, LOVD 3.0, the Exome Aggregation Consortium (August 8th 2016) or the Genome Aggregation Database (Feb 27, 2017). The p.Ile511 residue is conserved in in mammals but not in more distantly related organisms and computational analyses (PolyPhen-2, SIFT, AlignGVGD, BLOSUM, MutationTaster) do not suggest a high likelihood of impact to the protein; this information is not predictive enough to rule out pathogenicity. The variant occurs outside of the splicing consensus sequence and 1 of 4 in silico or computational prediction software programs (SpliceSiteFinder, MaxEntScan, NNSPLICE, GeneSplicer) predict a greater than 10% difference in splicing; this is not very predictive of pathogenicity. In summary, based on the above information, the clinical significance of this variant cannot be determined with certainty at this time. This variant is classified as a variant of uncertain significance.